The following is an entry in ClinVar:

NM_000059.4(BRCA2):c.1404_1413del (p.Arg468fs)

Gene: BRCA2 (BRCA2 DNA repair associated; plus strand). Cytogenetic location: 13q13.1.
Variant type: Deletion.
Coding change: c.1404_1413del on transcript NM_000059.4 (MANE Select); coding-DNA positions 1404 to 1413, 10 bases deleted (AGATGAAGAG; older notation c.1404_1413delAGATGAAGAG).
Protein change: p.Arg468fs; shifts the reading frame from arginine 468.
Molecular consequence: frameshift variant.
Genome position (GRCh38, 1-based): chr13:32,332,882-32,332,891, AGATGAAGAG deleted; deleting any 10 consecutive bases within chr13:32,332,877-32,332,891 gives the same sequence; the c. name uses the placement nearest the transcript's 3' end. VCF-style (leftmost placement, unchanged base first): chr13-32332876-TAAGAGAGATG-T. GRCh37 (hg19) VCF-style: chr13-32907013-TAAGAGAGATG-T.
Other names: 1632del10; short protein forms R468fs.
Identifiers: ClinVar variation 266633 (VCV000266633.5), dbSNP rs886040364, ClinGen allele CA10589092.

ClinVar aggregate classification (germline): Pathogenic. Review status: reviewed by expert panel (3 of 4 stars). 2 submissions from 2 submitters: Pathogenic (1). 1 of the submissions does not count toward it. Last evaluated 2016-10-18.

Conditions:
Breast-ovarian cancer, familial, susceptibility to, 2 (BROVCA2). Also called: BRCA2 Hereditary Breast and Ovarian Cancer. Identifiers: Orphanet 145, MedGen C2675520, MONDO:0012933, OMIM 612555. Disease mechanism: loss of function.

Submissions (2):

Evidence-based Network for the Interpretation of Germline Mutant Alleles (ENIGMA)
Classification: Pathogenic for Breast-ovarian cancer, familial, susceptibility to, 2. Last evaluated: 2016-10-18. Review status: reviewed by expert panel. Criteria: ENIGMA BRCA1/2 Classification Criteria (2015). Collection method: curation. Allele origin: germline.
Comment: Variant allele predicted to encode a truncated non-functional protein.

Consortium of Investigators of Modifiers of BRCA1/2 (CIMBA), c/o University of Cambridge
Classification: Pathogenic for Breast-ovarian cancer, familial, susceptibility to, 2. Last evaluated: 2015-10-02. Review status: criteria provided, single submitter. Criteria: CIMBA Mutation Classification guidelines May 2016. Collection method: clinical testing. Allele origin: germline. Not counted in ClinVar's aggregate classification.